The following is an entry in ClinVar:

NM_001020658.2(PUM1):c.1215G>T (p.Gln405His)

Gene: PUM1 (pumilio RNA binding family member 1; minus strand). Cytogenetic location: 1p35.2.
Variant type: single nucleotide variant.
Coding change: c.1215G>T on transcript NM_001020658.2 (MANE Select); coding-DNA position 1215, G replaced by T.
Protein change: p.Gln405His; replaces glutamine 405 with histidine.
Molecular consequence: missense variant.
Genome position (GRCh38, 1-based): chr1:30,981,349, C>A on the plus strand (G>T on the coding strand, the complement: PUM1 is on the minus strand). VCF-style: chr1-30981349-C-A. GRCh37 (hg19) VCF-style: chr1-31454196-C-A.
Other names: c.1215G>T, p.Gln405His (NM_014676.3); short protein forms Q405H.
Identifiers: ClinVar variation 4085834 (VCV004085834.8).

ClinVar aggregate classification (germline): Uncertain significance (1 of 4 stars; one submission).

Submission:

CeGaT Center for Human Genetics Tuebingen
Classification: Uncertain significance. Last evaluated: 2025-08-01. Review status: criteria provided, single submitter. Criteria: CeGaT Center For Human Genetics Tuebingen Variant Classification Criteria Version 2. Collection method: clinical testing. Allele origin: germline. Affected: yes. Observed: 1 variant allele.
Comment: PUM1: PM2